The following is an entry in ClinVar:

NM_021120.4(DLG3):c.1302+5G>A

Genes: DLG3 (discs large MAGUK scaffold protein 3; plus strand), DLG3-AS1 (DLG3 antisense RNA 1; minus strand). Cytogenetic location: Xq13.1.
Variant type: single nucleotide variant.
Coding change: c.1302+5G>A on transcript NM_021120.4 (MANE Select); 5 bases into the intron after coding-DNA position 1302, G replaced by A.
Molecular consequence: intron variant.
Genome position (GRCh38, 1-based): chrX:70,453,798, G>A. VCF-style: chrX-70453798-G-A. GRCh37 (hg19) VCF-style: chrX-69673648-G-A.
Other names: c.291+5G>A (NM_020730.3).
Identifiers: ClinVar variation 3770156 (VCV003770156.1).
Genomic context (GRCh38, chrX:70,453,798, plus strand): 5'-CAGGAGGCCCAGCTGACCTGAGTGGGGAGCTGCGCAGGGGAGACCGGATCTTATCGGTGA[G>A]GAGACAAAGGAGAGGTGGGAGGATGGGAACTGTGCCAGTCTAAAATGGAGAGCGAGAGAC-3'

ClinVar aggregate classification (germline): Likely pathogenic (1 of 4 stars; one submission).

Conditions:
Intellectual developmental disorder, X-linked 90. Also called: DLG3-Related X-Linked Nonsyndromic Mental Retardation; Intellectual disability, X-linked 90. Identifiers: Orphanet 777, MedGen C3275443, MONDO:0010452, OMIM 300850.

Submission:

Equipe Genetique des Anomalies du Developpement, Université de Bourgogne
Classification: Likely pathogenic for Intellectual developmental disorder, X-linked 90. Last evaluated: 2025-01-31. Review status: criteria provided, single submitter. Criteria: ACMG Guidelines, 2015. Collection method: clinical testing. Allele origin: germline. Affected: yes.
Comment: This variant is an intronic nucleotide change and is present in a hemizygous state. It has not been reported in ClinVar and in the literature. In silico prediction scores suggest an effect on splicing. RT-PCR and Sanger analysis showed that this variant leads to a skipping of exon 8 and a disrupted reading frame. Hemizygous pathogenic variants in DLG3 are reported in an autosomal dominant intellectual disability (OMIM #300850). This variant is not present in population database gnomAD (v4.1.0) Based on these evidences, the variant was classified as likely pathogenic.